The following is an entry in ClinVar:

NM_000374.5(UROD):c.706T>G (p.Tyr236Asp)

Gene: UROD (uroporphyrinogen decarboxylase; plus strand). Cytogenetic location: 1p34.1.
Variant type: single nucleotide variant.
Coding change: c.706T>G on transcript NM_000374.5 (MANE Select); coding-DNA position 706, T replaced by G.
Protein change: p.Tyr236Asp; replaces tyrosine 236 with aspartic acid.
Molecular consequence: missense variant. On other transcripts: non-coding transcript variant (3).
Genome position (GRCh38, 1-based): chr1:45,014,508, T>G. VCF-style: chr1-45014508-T-G. GRCh37 (hg19) VCF-style: chr1-45480180-T-G.
Other names: short protein forms Y236D.
Identifiers: ClinVar variation 4743368 (VCV004743368.1).
Genomic context (GRCh38, chr1:45,014,508, plus strand): 5'-CTGTTTGAGTCCCATGCAGGGCATCTTGGCCCACAGCTCTTCAACAAGTTTGCACTGCCT[T>G]ACATCCGTGATGTGGCCAAGCAAGTGAAGGCCAGGTTGCGGGAGGCAGGCCTGGCACCAG-3'
Protein context (NP_000365.3, residues 226-246): PQLFNKFALP[Tyr236Asp]IRDVAKQVKA

ClinVar aggregate classification (germline): Uncertain significance (1 of 4 stars; one submission).

Submission:

Labcorp Genetics (formerly Invitae), Labcorp
Classification: Uncertain significance. Last evaluated: 2025-02-18. Review status: criteria provided, single submitter. Criteria: Invitae Variant Classification Sherloc (09022015). Collection method: clinical testing. Allele origin: germline.
Comment: This sequence change replaces tyrosine, which is neutral and polar, with aspartic acid, which is acidic and polar, at codon 236 of the UROD protein (p.Tyr236Asp). This variant is not present in population databases (gnomAD no frequency). This variant has not been reported in the literature in individuals affected with UROD-related conditions. Invitae Evidence Modeling of protein sequence and biophysical properties (such as structural, functional, and spatial information, amino acid conservation, physicochemical variation, residue mobility, and thermodynamic stability) has been performed for this missense variant. However, the output from this modeling did not meet the statistical confidence thresholds required to predict the impact of this variant on UROD protein function. In summary, the available evidence is currently insufficient to determine the role of this variant in disease. Therefore, it has been classified as a Variant of Uncertain Significance.